The following is an entry in ClinVar:

NM_003998.4(NFKB1):c.2878G>A (p.Gly960Arg)

Gene: NFKB1 (nuclear factor kappa B subunit 1; plus strand). Cytogenetic location: 4q24.
Variant type: single nucleotide variant.
Coding change: c.2878G>A on transcript NM_003998.4 (MANE Select); coding-DNA position 2878, G replaced by A.
Protein change: p.Gly960Arg; replaces glycine 960 with arginine.
Molecular consequence: missense variant.
Genome position (GRCh38, 1-based): chr4:102,616,562, G>A. VCF-style: chr4-102616562-G-A. GRCh37 (hg19) VCF-style: chr4-103537719-G-A.
Other names: c.2875G>A, p.Gly959Arg (NM_001165412.2, NM_001319226.2, NM_001382627.1); c.2878G>A, p.Gly960Arg (NM_001382625.1, NM_001382626.1); c.2836G>A, p.Gly946Arg (NM_001382628.1); short protein forms G946R, G960R, G959R.
Identifiers: ClinVar variation 1474917 (VCV001474917.8), dbSNP rs199909759, ClinGen allele CA3026554.
Genomic context (GRCh38, chr4:102,616,562, plus strand): 5'-ACCGAGTCTCTGACCAGTGGTGCCTCACTGCTAACTCTCAACAAAATGCCCCATGATTAT[G>A]GGCAGGAAGGACCTCTAGAAGGCAAAATTTAGCCTGCTGACAATTTCCCACACCGTGTAA-3'
Protein context (NP_003989.2, residues 950-969): LTLNKMPHDY[Gly960Arg]QEGPLEGKI

ClinVar aggregate classification (germline): Uncertain significance (1 of 4 stars; one submission).

Allele frequency attached by ClinVar (database versions not stated): gnomAD 0.00001; TOPMed 0.00001; gnomAD exomes 0.00004; ExAC 0.00007.
gnomAD v4.1: 56 of 1,614,074 alleles (0.0035%); highest among the groups gnomAD compares: South Asian, 0.04%; no homozygotes.

Submission:

Labcorp Genetics (formerly Invitae), Labcorp
Classification: Uncertain significance. Last evaluated: 2024-12-06. Review status: criteria provided, single submitter. Criteria: Invitae Variant Classification Sherloc (09022015). Collection method: clinical testing. Allele origin: germline.
Comment: This sequence change replaces glycine, which is neutral and non-polar, with arginine, which is basic and polar, at codon 960 of the NFKB1 protein (p.Gly960Arg). This variant is present in population databases (rs199909759, gnomAD 0.04%), and has an allele count higher than expected for a pathogenic variant. This missense change has been observed in individual(s) with combined Immunodeficiency (PMID: 32980423). ClinVar contains an entry for this variant (Variation ID: 1474917). An algorithm developed to predict the effect of missense changes on protein structure and function (PolyPhen-2) suggests that this variant is likely to be disruptive. In summary, the available evidence is currently insufficient to determine the role of this variant in disease. Therefore, it has been classified as a Variant of Uncertain Significance.

Literature cited by the submitters: PubMed 32980423.